The following is an entry in ClinVar:

NM_000481.4(AMT):c.155T>G (p.Phe52Cys)

Gene: AMT (aminomethyltransferase; minus strand). Cytogenetic location: 3p21.31.
Variant type: single nucleotide variant.
Coding change: c.155T>G on transcript NM_000481.4 (MANE Select); coding-DNA position 155, T replaced by G.
Protein change: p.Phe52Cys; replaces phenylalanine 52 with cysteine.
Molecular consequence: missense variant. On other transcripts: non-coding transcript variant (1), intron variant (1).
Genome position (GRCh38, 1-based): chr3:49,422,207, A>C on the plus strand (T>G on the coding strand, the complement: AMT is on the minus strand). VCF-style: chr3-49422207-A-C. GRCh37 (hg19) VCF-style: chr3-49459640-A-C.
Other names: c.155T>G, p.Phe52Cys (NM_001164710.2, NM_001164712.2); c.90+154T>G (NM_001164711.2); short protein forms F52C.
Identifiers: ClinVar variation 1425947 (VCV001425947.8), dbSNP rs2107937639, ClinGen allele CA352791222.

ClinVar aggregate classification (germline): Uncertain significance (1 of 4 stars; one submission).

Conditions:
Glycine encephalopathy. Also called: Nonketotic hyperglycinemia; Non-ketotic hyperglycinemia. Identifiers: Orphanet 407, MedGen C0751748, MONDO:0011612, HP:0008288.

Submission:

Labcorp Genetics (formerly Invitae), Labcorp
Classification: Uncertain significance for Glycine encephalopathy. Last evaluated: 2023-10-03. Review status: criteria provided, single submitter. Criteria: Invitae Variant Classification Sherloc (09022015). Collection method: clinical testing. Allele origin: germline.
Comment: This sequence change replaces phenylalanine, which is neutral and non-polar, with cysteine, which is neutral and slightly polar, at codon 52 of the AMT protein (p.Phe52Cys). This variant is not present in population databases (gnomAD no frequency). This variant has not been reported in the literature in individuals affected with AMT-related conditions. ClinVar contains an entry for this variant (Variation ID: 1425947). Advanced modeling of protein sequence and biophysical properties (such as structural, functional, and spatial information, amino acid conservation, physicochemical variation, residue mobility, and thermodynamic stability) has been performed at Invitae for this missense variant, however the output from this modeling did not meet the statistical confidence thresholds required to predict the impact of this variant on AMT protein function. In summary, the available evidence is currently insufficient to determine the role of this variant in disease. Therefore, it has been classified as a Variant of Uncertain Significance.